The following is an entry in ClinVar:

ClinVar aggregate classification (germline): Likely pathogenic. Review status: criteria provided, single submitter (1 of 4 stars). 3 submissions from 3 submitters: Likely pathogenic (1). 1 of the submissions does not count toward it.

Conditions:
Developmental and epileptic encephalopathy, 76. Also called: EPILEPTIC ENCEPHALOPATHY, EARLY INFANTILE, 76; DEVELOPMENTAL DELAY, EPILEPTIC ENCEPHALOPATHY, CEREBRAL ATROPHY, AND ABNORMAL MYELINATION. Identifiers: MedGen C5193113, MONDO:0032768, OMIM 618468.
Intellectual disability. Also called: Intellectual functioning disability; intellectual disabilities; Intellectual developmental disorder. Identifiers: MedGen C3714756, MeSH D008607, MONDO:0001071, HP:0001249.
Global developmental delay (DD). Also called: Cognitive delay. Identifiers: MedGen C0557874, HP:0001263. Disease mechanism: loss of function.

Allele frequency attached by ClinVar (database versions not stated): gnomAD exomes below 0.00001; gnomAD 0.00001; TOPMed 0.00001.
gnomAD v4.1: 6 of 1,613,934 alleles (0.00037%); highest among the groups gnomAD compares: Admixed American, 0.0017%; no homozygotes.

Submissions (2):

Lupski Lab, Baylor-Hopkins CMG, Baylor College of Medicine
Classification: Likely pathogenic for Global developmental delay; Intellectual disability. Review status: criteria provided, single submitter. Criteria: Karaca et al. (Neuron 2015). Collection method: research. Allele origin: inherited. Inheritance: Autosomal recessive inheritance. Affected: yes.
Comment: ACTL6B is a component of brain-specific chromatin remodeling complexes containing the ATPases Brg1 (SMARCA4) and Brm (SMARCA2). Several SMARCA genes are konown to be associated with DD/ID syndromes

Houlden Lab, UCL Institute of Neurology
Classification: Likely pathogenic for Developmental and epileptic encephalopathy, 76. Review status: no assertion criteria provided. Collection method: research. Allele origin: germline. Affected: yes. Observed: 1 variant allele. Not counted in ClinVar's aggregate classification.

NM_016188.5(ACTL6B):c.893G>A (p.Arg298Gln)

Gene: ACTL6B (actin like 6B; minus strand). Cytogenetic location: 7q22.1.
Variant type: single nucleotide variant.
Coding change: c.893G>A on transcript NM_016188.5 (MANE Select); coding-DNA position 893, G replaced by A.
Protein change: p.Arg298Gln; replaces arginine 298 with glutamine.
Molecular consequence: missense variant. On other transcripts: non-coding transcript variant (1).
Genome position (GRCh38, 1-based): chr7:100,647,014, C>T on the plus strand (G>A on the coding strand, the complement: ACTL6B is on the minus strand). VCF-style: chr7-100647014-C-T. GRCh37 (hg19) VCF-style: chr7-100244637-C-T.
Other names: short protein forms R298Q.
Identifiers: ClinVar variation 402140 (VCV000402140.29), dbSNP rs1060499738, ClinGen allele CA16609516.